The following is an entry in ClinVar:

NC_012920.1(MT-ATP8):m.8472C>T

Gene: MT-ATP8 (mitochondrially encoded ATP synthase 8; plus strand).
Variant type: single nucleotide variant.
Genome position: chrM-8472-C-T.
Identifiers: ClinVar variation 692869 (VCV000692869.1), dbSNP rs879209186, ClinGen allele CA337097887.

ClinVar aggregate classification (germline): Benign (1 of 4 stars; one submission).

Conditions:
Leigh syndrome (NULS). Also called: Leigh's necrotizing encephalopathy; Leigh's disease; Leigh Syndrome (mtDNA deletion); Leigh Disease; Subacute necrotizing encephalopathy; Necrotizing encephalopathy infantile subacute of Leigh. Identifiers: Orphanet 506, MedGen C2931891, MONDO:0009723, OMIM 256000.

Submission:

Wong Mito Lab, Molecular and Human Genetics, Baylor College of Medicine
Classification: Benign for Leigh syndrome. Last evaluated: 2019-10-17. Review status: criteria provided, single submitter. Criteria: Modified ACMG Guidelines (Unpublished). Collection method: clinical testing. Allele origin: germline.
Comment: The NC_012920.1:m.8472C>T (YP_003024030.1:p.Pro36Leu) variant in MTATP8 gene is interpretated to be a Benign variant based on the modified ACMG guidelines (unpublished). This variant meets the following evidence codes: BS1, BS2, BP4